The following is an entry in ClinVar:

NM_001271696.3(ABCB7):c.643G>A (p.Gly215Ser)

Gene: ABCB7 (ATP binding cassette subfamily B member 7; minus strand). Cytogenetic location: Xq13.3.
Variant type: single nucleotide variant.
Coding change: c.643G>A on transcript NM_001271696.3 (MANE Select); coding-DNA position 643, G replaced by A.
Protein change: p.Gly215Ser; replaces glycine 215 with serine.
Molecular consequence: missense variant.
Genome position (GRCh38, 1-based): chrX:75,075,574, C>T on the plus strand (G>A on the coding strand, the complement: ABCB7 is on the minus strand). VCF-style: chrX-75075574-C-T. GRCh37 (hg19) VCF-style: chrX-74295409-C-T.
Other names: c.523G>A, p.Gly175Ser (NM_001271697.3); c.565G>A, p.Gly189Ser (NM_001271698.3); c.526G>A, p.Gly176Ser (NM_001271699.3); c.646G>A, p.Gly216Ser (NM_004299.6); short protein forms G175S, G176S, G189S, G215S, G216S.
Identifiers: ClinVar variation 4690192 (VCV004690192.1).
Genomic context (GRCh38, chrX:75,075,574, plus strand): 5'-TGTGAAGATGGAGAAAGACATTTTTGGCTATTCTTCGGATTGAATTCTGGGCTACCTTGC[C>T]AAATACTGCATTTCGAACTTCGTTAAAAAAAGCAGCTCCAGCTCTTGATACACCATCTAA-3'
Protein context (NP_001258625.1, residues 205-225): FFNEVRNAVF[Gly215Ser]KVAQNSIRRI

ClinVar aggregate classification (germline): Uncertain significance (1 of 4 stars; one submission).

Submission:

GeneDx
Classification: Uncertain significance. Last evaluated: 2025-08-01. Review status: criteria provided, single submitter. Criteria: GeneDx Variant Classification Process June 2021. Collection method: clinical testing. Allele origin: germline. Affected: yes.
Comment: Not observed at significant frequency in large population cohorts (gnomAD); In silico analysis suggests that this missense variant does not alter protein structure/function; Has not been previously published as pathogenic or benign to our knowledge